The following is an entry in ClinVar:

NM_138383.3(MTSS2):c.330_334dup (p.Glu112fs)

Gene: MTSS2 (MTSS I-BAR domain containing 2; minus strand). Cytogenetic location: 16q22.1.
Variant type: Duplication.
Coding change: c.330_334dup on transcript NM_138383.3 (MANE Select); coding-DNA positions 330 to 334, 5 bases duplicated (CATCG; older notation c.330_334dupCATCG).
Protein change: p.Glu112fs; shifts the reading frame from glutamic acid 112.
Molecular consequence: frameshift variant.
Genome position (GRCh38, 1-based): chr16:70,679,834-70,679,838, CGATG duplicated on the plus strand (CATCG on the coding strand, the reverse complement: MTSS2 is on the minus strand); duplicating any 5 consecutive bases within chr16:70,679,834-70,679,840 gives the same sequence; the c. name uses the placement nearest the transcript's 3' end. VCF-style (leftmost placement, unchanged base first): chr16-70679833-T-TCGATG. GRCh37 (hg19) VCF-style: chr16-70713736-T-TCGATG.
Other names: short protein forms E112fs.
Identifiers: ClinVar variation 3372274 (VCV003372274.1).
Genomic context (GRCh38, chr16:70,679,833, plus strand): 5'-GCGCCACCCTCACCTTTCGCGTGGTCCTTGTCCAGCTGGTTGGCCGCCTTCTTCCAGTCC[T>TCGATG]CGATGCGCTCCTGCAGCGGGTTGATGAGGCTCTCCAGCAGTGCGCTGCGGAGGGCGGGCG-3'

ClinVar aggregate classification (germline): Uncertain significance (1 of 4 stars; one submission).

Submission:

GeneDx
Classification: Uncertain significance. Last evaluated: 2024-04-09. Review status: criteria provided, single submitter. Criteria: GeneDx Variant Classification Process June 2021. Collection method: clinical testing. Allele origin: germline. Affected: yes.
Comment: Not observed at significant frequency in large population cohorts (gnomAD); Frameshift variant predicted to result in protein truncation or nonsense mediated decay in a gene for which loss-of-function is not an established mechanism of disease; Has not been previously published as pathogenic or benign to our knowledge